The following is an entry in ClinVar:

ClinVar aggregate classification (germline): Benign. Review status: criteria provided, multiple submitters, no conflicts (2 of 4 stars). 3 submissions from 3 submitters: Benign (2). 1 of the submissions does not count toward it. Last evaluated 2026-01-19.

Conditions:
IGSF10-related disorder. Also called: IGSF10-related condition.

Allele frequency attached by ClinVar (database versions not stated): 1000 Genomes Project 30x 0.00406; 1000 Genomes Project 0.00479; TOPMed 0.01070; gnomAD 0.01183 and 0.01209; gnomAD exomes 0.01285 and 0.01478; ExAC 0.01291; ESP Exome Variant Server 0.01369.
gnomAD v4.1: 23,406 of 1,614,140 alleles (1.5%); highest among the groups gnomAD compares: Non-Finnish European, 1.6%; 211 homozygotes.

Submissions (3):

Labcorp Genetics (formerly Invitae), Labcorp
Classification: Benign. Last evaluated: 2026-01-19. Review status: criteria provided, single submitter. Criteria: Invitae Variant Classification Sherloc (09022015). Collection method: clinical testing. Allele origin: germline.

Breakthrough Genomics
Classification: Benign. Review status: criteria provided, single submitter. Criteria: ACMG Guidelines, 2015. Collection method: not provided. Allele origin: germline. Inheritance: Unknown mechanism. Affected: yes.

PreventionGenetics, part of Exact Sciences
Classification: Benign for IGSF10-related condition. Last evaluated: 2019-03-20. Review status: no assertion criteria provided. Collection method: clinical testing. Allele origin: germline. Not counted in ClinVar's aggregate classification.
Comment: This variant is classified as benign based on ACMG/AMP sequence variant interpretation guidelines (Richards et al. 2015 PMID: 25741868, with internal and published modifications).

NM_178822.5(IGSF10):c.3931A>G (p.Ile1311Val)

Gene: IGSF10 (immunoglobulin superfamily member 10; minus strand). Cytogenetic location: 3q25.1.
Variant type: single nucleotide variant.
Coding change: c.3931A>G on transcript NM_178822.5 (MANE Select); coding-DNA position 3931, A replaced by G.
Protein change: p.Ile1311Val; replaces isoleucine 1311 with valine.
Molecular consequence: missense variant.
Genome position (GRCh38, 1-based): chr3:151,446,050, T>C on the plus strand (A>G on the coding strand, the complement: IGSF10 is on the minus strand). VCF-style: chr3-151446050-T-C. GRCh37 (hg19) VCF-style: chr3-151163838-T-C.
Other names: c.3931A>G (NM_178822.4); c.3931A>G, p.Ile1311Val (NM_001385060.1, NM_001385061.1, NM_001385062.1 and 1 more transcripts); short protein forms I1311V.
Identifiers: ClinVar variation 1596734 (VCV001596734.11), dbSNP rs34114908, ClinGen allele CA2670068.